The following is an entry in ClinVar:

ClinVar aggregate classification (germline): Uncertain significance. Review status: criteria provided, multiple submitters, no conflicts (2 of 4 stars). 2 submissions from 2 submitters: Uncertain significance (2). Last evaluated 2024-04-27.

Conditions:
Tuberous sclerosis 2 (TSC2). Identifiers: Orphanet 805, MedGen C1860707, MONDO:0013199, OMIM 613254.
Hereditary cancer-predisposing syndrome. Also called: Tumor predisposition; Hereditary Cancer Syndrome; Neoplastic Syndromes, Hereditary; Hereditary neoplastic syndrome. Identifiers: Orphanet 140162, MedGen C0027672, MeSH D009386, MONDO:0015356.

Allele frequency attached by ClinVar (database versions not stated): gnomAD exomes below 0.00001.
gnomAD v4.1: 2 of 1,613,266 alleles (0.00012%); highest among the groups gnomAD compares: Non-Finnish European, 0.000085%; no homozygotes.

Submissions (2):

Ambry Genetics
Classification: Uncertain significance for Hereditary cancer-predisposing syndrome. Last evaluated: 2024-04-27. Review status: criteria provided, single submitter. Criteria: Ambry Variant Classification Scheme 2023. Collection method: clinical testing. Allele origin: germline.
Comment: The p.Y602H variant (also known as c.1804T>C), located in coding exon 16 of the TSC2 gene, results from a T to C substitution at nucleotide position 1804. The tyrosine at codon 602 is replaced by histidine, an amino acid with similar properties. This amino acid position is conserved. In addition, this alteration is predicted to be deleterious by in silico analysis. Based on the available evidence, the clinical significance of this variant remains unclear.

Labcorp Genetics (formerly Invitae), Labcorp
Classification: Uncertain significance for Tuberous sclerosis 2. Last evaluated: 2023-04-07. Review status: criteria provided, single submitter. Criteria: Invitae Variant Classification Sherloc (09022015). Collection method: clinical testing. Allele origin: germline.
Comment: This sequence change replaces tyrosine, which is neutral and polar, with histidine, which is basic and polar, at codon 602 of the TSC2 protein (p.Tyr602His). In summary, the available evidence is currently insufficient to determine the role of this variant in disease. Therefore, it has been classified as a Variant of Uncertain Significance. Advanced modeling of protein sequence and biophysical properties (such as structural, functional, and spatial information, amino acid conservation, physicochemical variation, residue mobility, and thermodynamic stability) performed at Invitae indicates that this missense variant is not expected to disrupt TSC2 protein function. This variant has not been reported in the literature in individuals affected with TSC2-related conditions. This variant is not present in population databases (gnomAD no frequency).

NM_000548.5(TSC2):c.1804T>C (p.Tyr602His)

Gene: TSC2 (TSC complex subunit 2; plus strand). Cytogenetic location: 16p13.3.
Variant type: single nucleotide variant.
Coding change: c.1804T>C on transcript NM_000548.5 (MANE Select); coding-DNA position 1804, T replaced by C.
Protein change: p.Tyr602His; replaces tyrosine 602 with histidine.
Molecular consequence: missense variant. On other transcripts: non-coding transcript variant (5).
Genome position (GRCh38, 1-based): chr16:2,070,543, T>C. VCF-style: chr16-2070543-T-C. GRCh37 (hg19) VCF-style: chr16-2120544-T-C.
Other names: c.1894T>C, p.Tyr632His (NM_001406668.1, NM_001406667.1); c.1693T>C, p.Tyr565His (NM_001406670.1, NM_001406678.1, NM_001318827.2); c.1792T>C, p.Tyr598His (NM_001406671.1, NM_001406673.1); c.1657T>C, p.Tyr553His (NM_001406675.1, NM_001406676.1, NM_001406679.1 and 1 more transcripts); c.1747T>C, p.Tyr583His (NM_001406677.1); c.1204T>C, p.Tyr402His (NM_001406680.1, NM_001318831.2, NM_001406682.1 and 6 more transcripts); c.460T>C, p.Tyr154His (NM_001406696.1, NM_001406697.1, NM_001406689.1 and 6 more transcripts); c.202T>C, p.Tyr68His (NM_001406698.1); and 3 more; short protein forms Y68H, Y154H, Y583H, Y598H, Y632H, Y402H, Y553H, Y565H.
Identifiers: ClinVar variation 2959228 (VCV002959228.4), dbSNP rs2543630281, ClinGen allele CA394272955.